The following is an entry in ClinVar:

NM_001394998.1(TANC2):c.1441+5G>A

Gene: TANC2 (tetratricopeptide repeat, ankyrin repeat and coiled-coil containing 2; plus strand). Cytogenetic location: 17q23.3.
Variant type: single nucleotide variant.
Coding change: c.1441+5G>A on transcript NM_001394998.1 (MANE Select); 5 bases into the intron after coding-DNA position 1441, G replaced by A.
Molecular consequence: intron variant.
Genome position (GRCh38, 1-based): chr17:63,314,674, G>A. VCF-style: chr17-63314674-G-A. GRCh37 (hg19) VCF-style: chr17-61392035-G-A.
Other names: c.1219+5G>A (NM_001411076.1, NM_025185.4).
Identifiers: ClinVar variation 4684993 (VCV004684993.1).

ClinVar aggregate classification (germline): Likely pathogenic (1 of 4 stars; one submission).

Conditions:
Intellectual developmental disorder with autistic features and language delay, with or without seizures. Identifiers: MedGen C5394447, MONDO:0030051, OMIM 618906.

Submission:

Molecular Genetics Laboratory, Motol Hospital
Classification: Likely pathogenic for Intellectual developmental disorder with autistic features and language delay, with or without seizures. Last evaluated: 2026-01-08. Review status: criteria provided, single submitter. Criteria: ACMG Guidelines, 2015. Collection method: clinical testing. Allele origin: de novo. Inheritance: Sporadic. Affected: yes. Observed: 1 heterozygote.
Comment: Variant not present in non-Finnish European population (gnomAD v4.1.0), absent in dbSNP, ClinVar (PM2). Rare loss-of-function variant including splicing variant are associated with autosomal dominant "intellectual developmental disorder with autistic features and language delay, with or without seizures" (IDDALDS, MIM:618906). The variant is predicted to disrupt RNA splicing (SpliceAI, AbSplice score) but there is a lack of experimental evidence (PP3). To conclude, the variant is classified as likely pathogenic.

Literature cited by the submitters: PubMed 31616000; PubMed 40110879.